The following is an entry in ClinVar:

ClinVar aggregate classification (germline): Uncertain significance. Review status: criteria provided, multiple submitters, no conflicts (2 of 4 stars). 2 submissions from 2 submitters: Uncertain significance (2). Last evaluated 2025-01-16.

Conditions:
Primary ciliary dyskinesia 23 (CILD23). Also called: CILIARY DYSKINESIA, PRIMARY, 23, WITH OR WITHOUT SITUS INVERSUS. Identifiers: Orphanet 244, MedGen C3809548, MONDO:0014193, OMIM 615451.
Primary ciliary dyskinesia. Also called: Ciliary dyskinesia. Identifiers: Orphanet 244, MedGen C0008780, MONDO:0016575, HP:0012265.

Allele frequency attached by ClinVar (database versions not stated): gnomAD 0.00001; TOPMed 0.00002.
gnomAD v4.1: 8 of 1,613,994 alleles (0.0005%); highest among the groups gnomAD compares: African/African-American, 0.0027%; no homozygotes.

Submissions (2):

Ambry Genetics
Classification: Uncertain significance for Primary ciliary dyskinesia. Last evaluated: 2025-01-16. Review status: criteria provided, single submitter. Criteria: Ambry Variant Classification Scheme 2023. Collection method: clinical testing. Allele origin: germline.

Labcorp Genetics (formerly Invitae), Labcorp
Classification: Uncertain significance for Primary ciliary dyskinesia 23. Last evaluated: 2022-02-03. Review status: criteria provided, single submitter. Criteria: Invitae Variant Classification Sherloc (09022015). Collection method: clinical testing. Allele origin: germline.
Comment: This sequence change replaces cysteine, which is neutral and slightly polar, with tyrosine, which is neutral and polar, at codon 510 of the ARMC4 protein (p.Cys510Tyr). This variant is not present in population databases (gnomAD no frequency). This variant has not been reported in the literature in individuals affected with ARMC4-related conditions. ClinVar contains an entry for this variant (Variation ID: 656394). Algorithms developed to predict the effect of missense changes on protein structure and function are either unavailable or do not agree on the potential impact of this missense change (SIFT: "Deleterious"; PolyPhen-2: "Probably Damaging"; Align-GVGD: "Class C0"). In summary, the available evidence is currently insufficient to determine the role of this variant in disease. Therefore, it has been classified as a Variant of Uncertain Significance.

NM_018076.5(ODAD2):c.1529G>A (p.Cys510Tyr)

Gene: ODAD2 (outer dynein arm docking complex subunit 2; minus strand). Cytogenetic location: 10p12.1.
Variant type: single nucleotide variant.
Coding change: c.1529G>A on transcript NM_018076.5 (MANE Select); coding-DNA position 1529, G replaced by A.
Protein change: p.Cys510Tyr; replaces cysteine 510 with tyrosine.
Molecular consequence: missense variant.
Genome position (GRCh38, 1-based): chr10:27,944,820, C>T on the plus strand (G>A on the coding strand, the complement: ODAD2 is on the minus strand). VCF-style: chr10-27944820-C-T. GRCh37 (hg19) VCF-style: chr10-28233749-C-T.
Other names: c.1529G>A, p.Cys510Tyr (NM_001290020.2); c.104G>A, p.Cys35Tyr (NM_001290021.2); c.605G>A, p.Cys202Tyr (NM_001312689.2); short protein forms C202Y, C510Y, C35Y.
Identifiers: ClinVar variation 656394 (VCV000656394.7), dbSNP rs1472984153, ClinGen allele CA376393314.